The following is an entry in ClinVar:

NM_000104.4(CYP1B1):c.369C>G (p.Phe123Leu)

Gene: CYP1B1 (cytochrome P450 family 1 subfamily B member 1; minus strand). Cytogenetic location: 2p22.2.
Variant type: single nucleotide variant.
Coding change: c.369C>G on transcript NM_000104.4 (MANE Select); coding-DNA position 369, C replaced by G.
Protein change: p.Phe123Leu; replaces phenylalanine 123 with leucine.
Molecular consequence: missense variant.
Genome position (GRCh38, 1-based): chr2:38,075,020, G>C on the plus strand (C>G on the coding strand, the complement: CYP1B1 is on the minus strand). VCF-style: chr2-38075020-G-C. GRCh37 (hg19) VCF-style: chr2-38302163-G-C.
Other names: short protein forms F123L.
Identifiers: ClinVar variation 3335955 (VCV003335955.1).

ClinVar aggregate classification (germline): Uncertain significance (1 of 4 stars; one submission).

Submission:

Women's Health and Genetics/Laboratory Corporation of America, LabCorp
Classification: Uncertain significance. Last evaluated: 2024-05-14. Review status: criteria provided, single submitter. Criteria: LabCorp Variant Classification Summary - May 2015. Collection method: clinical testing. Allele origin: germline.
Comment: Variant summary: CYP1B1 c.369C>G (p.Phe123Leu) results in a non-conservative amino acid change in the encoded protein sequence. Four of five in-silico tools predict a damaging effect of the variant on protein function. The variant was absent in 209902 control chromosomes. The available data on variant occurrences in the general population are insufficient to allow any conclusion about variant significance. c.369C>G has been reported in the literature in individuals affected with Primary Congenital Glaucoma. These report(s) do not provide unequivocal conclusions about association of the variant with Primary Congenital Glaucoma. To our knowledge, no experimental evidence demonstrating an impact on protein function has been reported. The following publication have been ascertained in the context of this evaluation (PMID: 23218183). No submitters have cited clinical-significance assessments for this variant to ClinVar. Based on the evidence outlined above, the variant was classified as uncertain significance.

Literature cited by the submitters: PubMed 23218183.